The following is an entry in ClinVar:

ClinVar aggregate classification (germline): Uncertain significance (1 of 4 stars; one submission).

Submission:

Ambry Genetics
Classification: Uncertain significance. Last evaluated: 2023-11-26. Review status: criteria provided, single submitter. Criteria: Ambry Variant Classification Scheme 2023. Collection method: clinical testing. Allele origin: germline.
Comment: The p.L604R variant (also known as c.1811T>G), located in coding exon 4 of the TMPO gene, results from a T to G substitution at nucleotide position 1811. The leucine at codon 604 is replaced by arginine, an amino acid with dissimilar properties. This amino acid position is conserved. In addition, the in silico prediction for this alteration is inconclusive. Since supporting evidence is limited at this time, the clinical significance of this alteration remains unclear.

NM_001032283.3(TMPO):c.565+2230T>G

Gene: TMPO (thymopoietin; plus strand). Cytogenetic location: 12q23.1.
Variant type: single nucleotide variant.
Coding change: c.565+2230T>G on transcript NM_001032283.3 (MANE Select); 2230 bases into the intron after coding-DNA position 565, T replaced by G.
Molecular consequence: intron variant. On other transcripts: missense variant (1).
Genome position (GRCh38, 1-based): chr12:98,534,068, T>G. VCF-style: chr12-98534068-T-G. GRCh37 (hg19) VCF-style: chr12-98927846-T-G.
Other names: c.1811T>G, p.Leu604Arg (NM_003276.2); c.565+2230T>G (NM_001307975.2, NM_001032284.3); short protein forms L604R.
Identifiers: ClinVar variation 3223171 (VCV003223171.1), dbSNP rs932204939, ClinGen allele CA242225303.
Genomic context (GRCh38, chr12:98,534,068, plus strand): 5'-CTCACACTGCCTTTGTAGCTAAGGCTATGCAGGCAGACATTAGTCAAGCTGCACAGATTC[T>G]TAGCTCAGATCCTAGTCGTACCCACCAAGCGCTTGGGATTCTGAGCAAAACATATGATGC-3'